The following is an entry in ClinVar:

ClinVar aggregate classification (germline): Uncertain significance. Review status: criteria provided, multiple submitters, no conflicts (2 of 4 stars). 2 submissions from 2 submitters: Uncertain significance (2). Last evaluated 2025-04-01.

Conditions:
Inborn genetic diseases. Identifiers: MedGen C0950123, MeSH D030342.

Allele frequency attached by ClinVar (database versions not stated): gnomAD exomes below 0.00001 and 0.00001; ExAC 0.00001; gnomAD 0.00001; TOPMed 0.00001.
gnomAD v4.1: 3 of 1,614,014 alleles (0.00019%); highest among the groups gnomAD compares: Non-Finnish European, 0.00017%; no homozygotes.

Submissions (2):

Ambry Genetics
Classification: Uncertain significance for Inborn genetic diseases. Last evaluated: 2025-04-01. Review status: criteria provided, single submitter. Criteria: Ambry Variant Classification Scheme 2023. Collection method: clinical testing. Allele origin: germline.

Labcorp Genetics (formerly Invitae), Labcorp
Classification: Uncertain significance. Last evaluated: 2023-05-26. Review status: criteria provided, single submitter. Criteria: Invitae Variant Classification Sherloc (09022015). Collection method: clinical testing. Allele origin: germline.
Comment: In summary, the available evidence is currently insufficient to determine the role of this variant in disease. Therefore, it has been classified as a Variant of Uncertain Significance. Advanced modeling of protein sequence and biophysical properties (such as structural, functional, and spatial information, amino acid conservation, physicochemical variation, residue mobility, and thermodynamic stability) performed at Invitae indicates that this missense variant is not expected to disrupt CACNA1D protein function. ClinVar contains an entry for this variant (Variation ID: 1350822). This variant has not been reported in the literature in individuals affected with CACNA1D-related conditions. This variant is present in population databases (rs778399253, gnomAD 0.002%). This sequence change replaces lysine, which is basic and polar, with arginine, which is basic and polar, at codon 668 of the CACNA1D protein (p.Lys668Arg).

NM_001128840.3(CACNA1D):c.1943A>G (p.Lys648Arg)

Gene: CACNA1D (calcium voltage-gated channel subunit alpha1 D; plus strand). Cytogenetic location: 3p21.1.
Variant type: single nucleotide variant.
Coding change: c.1943A>G on transcript NM_001128840.3 (MANE Select); coding-DNA position 1943, A replaced by G.
Protein change: p.Lys648Arg; replaces lysine 648 with arginine.
Molecular consequence: missense variant.
Genome position (GRCh38, 1-based): chr3:53,723,842, A>G. VCF-style: chr3-53723842-A-G. GRCh37 (hg19) VCF-style: chr3-53757869-A-G.
Other names: c.2003A>G (NM_000720.2); c.2003A>G, p.Lys668Arg (NM_000720.4); c.1943A>G, p.Lys648Arg (NM_001128839.3); short protein forms K668R, K648R.
Identifiers: ClinVar variation 1350822 (VCV001350822.7), dbSNP rs778399253, ClinGen allele CA2454099.